The following is an entry in ClinVar:

NM_000038.6(APC):c.4264G>T (p.Asp1422Tyr)

Gene: APC (APC regulator of Wnt signaling pathway; plus strand). Cytogenetic location: 5q22.2.
Variant type: single nucleotide variant.
Coding change: c.4264G>T on transcript NM_000038.6 (MANE Select); coding-DNA position 4264, G replaced by T.
Protein change: p.Asp1422Tyr; replaces aspartic acid 1422 with tyrosine.
Molecular consequence: missense variant. On other transcripts: non-coding transcript variant (2).
Genome position (GRCh38, 1-based): chr5:112,839,858, G>T. VCF-style: chr5-112839858-G-T. GRCh37 (hg19) VCF-style: chr5-112175555-G-T.
Other names: c.4264G>T, p.Asp1422Tyr (NM_001127510.3, NM_001354895.2, NM_001407450.1); c.4210G>T, p.Asp1404Tyr (NM_001127511.3); c.4318G>T, p.Asp1440Tyr (NM_001354896.2, NM_001407447.1, NM_001407448.1 and 1 more transcripts); c.4294G>T, p.Asp1432Tyr (NM_001354897.2); c.4189G>T, p.Asp1397Tyr (NM_001354898.2); c.4180G>T, p.Asp1394Tyr (NM_001354899.2); c.4141G>T, p.Asp1381Tyr (NM_001354900.2); c.4087G>T, p.Asp1363Tyr (NM_001354901.2, NM_001407453.1); and 11 more; short protein forms D1038Y, D1331Y, D1415Y, D1422Y, D1450Y, D1139Y, D1321Y, D1381Y.
Identifiers: ClinVar variation 2775010 (VCV002775010.2), dbSNP rs2149910312, ClinGen allele CA16030675.

ClinVar aggregate classification (germline): Uncertain significance (1 of 4 stars; one submission).

Conditions:
Hereditary cancer-predisposing syndrome. Also called: Neoplastic Syndromes, Hereditary; Tumor predisposition; Hereditary Cancer Syndrome; Hereditary neoplastic syndrome. Identifiers: Orphanet 140162, MedGen C0027672, MeSH D009386, MONDO:0015356.

Submission:

Color Diagnostics, LLC DBA Color Health
Classification: Uncertain significance for Hereditary cancer-predisposing syndrome. Last evaluated: 2024-03-07. Review status: criteria provided, single submitter. Criteria: ACMG Guidelines, 2015. Collection method: clinical testing. Allele origin: germline.
Comment: This missense variant replaces aspartic acid with tyrosine at codon 1422 of the APC protein. Computational prediction is inconclusive regarding the impact of this variant on protein structure and function (internally defined REVEL score threshold 0.5 < inconclusive < 0.7, PMID: 27666373). To our knowledge, functional studies have not been reported for this variant. This variant has not been reported in individuals affected with hereditary cancer in the literature. This variant has not been identified in the general population by the Genome Aggregation Database (gnomAD). The available evidence is insufficient to determine the role of this variant in disease conclusively. Therefore, this variant is classified as a Variant of Uncertain Significance.